The following is an entry in ClinVar:

NM_138713.4(NFAT5):c.221C>T (p.Ala74Val)

Gene: NFAT5 (nuclear factor of activated T cells 5; plus strand). Cytogenetic location: 16q22.1.
Variant type: single nucleotide variant.
Coding change: c.221C>T on transcript NM_138713.4 (MANE Select); coding-DNA position 221, C replaced by T.
Protein change: p.Ala74Val; replaces alanine 74 with valine.
Molecular consequence: missense variant. On other transcripts: 5 prime UTR variant (4).
Genome position (GRCh38, 1-based): chr16:69,626,496, C>T. VCF-style: chr16-69626496-C-T. GRCh37 (hg19) VCF-style: chr16-69660399-C-T.
Other names: c.221C>T, p.Ala74Val (NM_001113178.3); c.-33C>T (NM_001367709.1); c.167C>T, p.Ala56Val (NM_006599.4); c.-124C>T (NM_138714.4, NM_173214.3, NM_173215.3); short protein forms A56V, A74V.
Identifiers: ClinVar variation 2501730 (VCV002501730.1), dbSNP rs2543787547, ClinGen allele CA396490988.

ClinVar aggregate classification (germline): Uncertain significance (1 of 4 stars; one submission).

Submission:

Center for Genomics, Ann and Robert H. Lurie Children's Hospital of Chicago
Classification: Uncertain significance. Last evaluated: 2022-07-15. Review status: criteria provided, single submitter. Criteria: ACMG Guidelines, 2015. Collection method: clinical testing. Allele origin: germline.
Comment: This variant has not been reported in the literature and is not present in large control databases. Evolutionary conservation suggests that this variant may impact the protein; computational predictive tools suggest that this variant may not impact the protein. Of note, although this variant is in the exon, splice prediction tools suggest that this variant may affect splicing. However, further studies are needed to understand its impact. In summary, data on this variant is insufficient for disease classification. Therefore, the clinical significance of this variant is uncertain.